The following is an entry in ClinVar:

ClinVar aggregate classification (germline): Uncertain significance. Review status: criteria provided, multiple submitters, no conflicts (2 of 4 stars). 2 submissions from 2 submitters: Uncertain significance (2). Last evaluated 2025-11-20.

Conditions:
Inborn genetic diseases. Identifiers: MedGen C0950123, MeSH D030342.
Wilson disease (WND). Also called: Wilson's disease. Identifiers: Orphanet 905, MedGen C0019202, MONDO:0010200, OMIM 277900. Disease mechanism: loss of function.

gnomAD v4.1: 1 of 1,614,222 alleles (0.000062%); highest among the groups gnomAD compares: African/African-American, 0.0013%; no homozygotes.

Submissions (2):

Ambry Genetics
Classification: Uncertain significance for Inborn genetic diseases. Last evaluated: 2025-11-20. Review status: criteria provided, single submitter. Criteria: Ambry Variant Classification Scheme 2023. Collection method: clinical testing. Allele origin: germline.

All of Us Research Program, National Institutes of Health
Classification: Uncertain significance for Wilson disease. Last evaluated: 2023-10-06. Review status: criteria provided, single submitter. Criteria: ACMG Guidelines, 2015. Collection method: clinical testing. Allele origin: germline. Inheritance: Autosomal recessive inheritance. Observed: 1 variant allele, 1 heterozygote.
Comment: This missense variant replaces histidine with glutamine at codon 1441 of the ATP7B protein. Computational prediction suggests that this variant may not impact protein structure and function (internally defined REVEL score threshold <= 0.5, PMID: 27666373). To our knowledge, functional studies have not been reported for this variant. This variant has not been reported in individuals affected with ATP7B-related disorders in the literature. This variant has not been identified in the general population by the Genome Aggregation Database (gnomAD). The available evidence is insufficient to determine the role of this variant in disease conclusively. Therefore, this variant is classified as a Variant of Uncertain Significance.

This study involves interpretation of variants in research participants for the purpose of population health screening. Participant phenotype was not available at the time of variant classification. Additional details can be found in publication PMID: 35346344, PMCID: PMC8962531

NM_000053.4(ATP7B):c.4323C>G (p.His1441Gln)

Gene: ATP7B (ATPase copper transporting beta; minus strand). Cytogenetic location: 13q14.3.
Variant type: single nucleotide variant.
Coding change: c.4323C>G on transcript NM_000053.4 (MANE Select); coding-DNA position 4323, C replaced by G.
Protein change: p.His1441Gln; replaces histidine 1441 with glutamine.
Molecular consequence: missense variant.
Genome position (GRCh38, 1-based): chr13:51,934,831, G>C on the plus strand (C>G on the coding strand, the complement: ATP7B is on the minus strand). VCF-style: chr13-51934831-G-C. GRCh37 (hg19) VCF-style: chr13-52508967-G-C.
Other names: c.3702C>G, p.His1234Gln (NM_001005918.3); c.3990C>G, p.His1330Gln (NM_001243182.2); c.4089C>G, p.His1363Gln (NM_001330578.2, NM_001406527.1, NM_001406528.1); c.4071C>G, p.His1357Gln (NM_001330579.2, NM_001406531.1, NM_001406532.1); c.4323C>G, p.His1441Gln (NM_001406511.1, NM_001406512.1); c.4317C>G, p.His1439Gln (NM_001406513.1); c.4290C>G, p.His1430Gln (NM_001406514.1); c.4269C>G, p.His1423Gln (NM_001406515.1, NM_001406516.1); and 21 more; short protein forms H1298Q, H1345Q, H1361Q, H1376Q, H1234Q, H1277Q, H1292Q, H1330Q.
Identifiers: ClinVar variation 2453689 (VCV002453689.4), dbSNP rs1163407442, ClinGen allele CA388019068.